The following is an entry in ClinVar:

NM_001733.7(C1R):c.45A>C (p.Ala15=)

Gene: C1R (complement C1r; minus strand). Cytogenetic location: 12p13.31.
Variant type: single nucleotide variant.
Coding change: c.45A>C on transcript NM_001733.7 (MANE Select); coding-DNA position 45, A replaced by C.
Protein change: p.Ala15=; no amino-acid change (alanine 15 retained).
Molecular consequence: synonymous variant.
Genome position (GRCh38, 1-based): chr12:7,091,638, T>G on the plus strand (A>C on the coding strand, the complement: C1R is on the minus strand). VCF-style: chr12-7091638-T-G. GRCh37 (hg19) VCF-style: chr12-7244234-T-G.
Other names: c.87A>C, p.Ala29= (NM_001354346.2).
Identifiers: ClinVar variation 5039118 (VCV005039118.1).

ClinVar aggregate classification (germline): Likely benign (1 of 4 stars; one submission).

gnomAD v4.1: 3 of 757,150 alleles (0.0004%); highest among the groups gnomAD compares: Non-Finnish European, 0.00074%; no homozygotes.

Submission:

CeGaT Center for Human Genetics Tuebingen
Classification: Likely benign. Last evaluated: 2026-08-01. Review status: criteria provided, single submitter. Criteria: CeGaT Center For Human Genetics Tuebingen Variant Classification Criteria Version 2. Collection method: clinical testing. Allele origin: germline. Affected: yes. Observed: 1 variant allele.
Comment: C1R: BP4, BP7